The following is an entry in ClinVar:

ClinVar aggregate classification (germline): Benign (1 of 4 stars; one submission).

Allele frequency attached by ClinVar (database versions not stated): TOPMed 0.00254; 1000 Genomes Project 30x 0.00281; 1000 Genomes Project 0.00359; gnomAD 0.00751.

Submission:

CeGaT Center for Human Genetics Tuebingen
Classification: Benign. Last evaluated: 2023-03-01. Review status: criteria provided, single submitter. Criteria: CeGaT Center For Human Genetics Tuebingen Variant Classification Criteria Version 2. Collection method: clinical testing. Allele origin: germline. Affected: yes. Observed: 10 variant alleles.
Comment: ARID1B: BS1, BS2

NM_001374828.1(ARID1B):c.2247+931C>G

Gene: ARID1B (AT-rich interaction domain 1B; plus strand). Cytogenetic location: 6q25.3.
Variant type: single nucleotide variant.
Coding change: c.2247+931C>G on transcript NM_001374828.1 (MANE Select); 931 bases into the intron after coding-DNA position 2247, C replaced by G.
Molecular consequence: intron variant.
Genome position (GRCh38, 1-based): chr6:156,936,507, C>G. VCF-style: chr6-156936507-C-G. GRCh37 (hg19) VCF-style: chr6-157257641-C-G.
Other names: c.2286+931C>G (NM_001371656.1, NM_001374820.1); c.2247+931C>G (NM_017519.3).
Identifiers: ClinVar variation 2499027 (VCV002499027.28), dbSNP rs141193885, ClinGen allele CA150821196.